The following is an entry in ClinVar:

ClinVar aggregate classification (germline): Pathogenic/Likely pathogenic. Review status: criteria provided, multiple submitters, no conflicts (2 of 4 stars). 17 submissions from 17 submitters: Pathogenic (15); Likely pathogenic (1). 1 of the submissions does not count toward it. Last evaluated 2026-02-26.

Conditions:
SLC12A3-related disorder. Also called: SLC12A3-related condition.
Inborn genetic diseases. Identifiers: MedGen C0950123, MeSH D030342.
Renal tubulopathies.
Familial hypokalemia-hypomagnesemia (GTLMNS). Also called: HYPOMAGNESEMIA-HYPOKALEMIA, PRIMARY RENOTUBULAR, WITH HYPOCALCIURIA; POTASSIUM AND MAGNESIUM DEPLETION; gitelman syndrome. Identifiers: Orphanet 358, MedGen C0268450, MONDO:0009904, OMIM 263800.

Allele frequency attached by ClinVar (database versions not stated): ExAC 0.00005; gnomAD exomes 0.00006; ESP Exome Variant Server 0.00008; gnomAD 0.00008; TOPMed 0.00011.
gnomAD v4.1: 253 of 1,612,832 alleles (0.016%); highest among the groups gnomAD compares: Non-Finnish European, 0.02%; no homozygotes.

Submissions 1 to 10 of 17:

Genetics Laboratory, Great Ormond Street Hospital NHS Foundation Trust, North Thames Genomic Laboratory Hub
Classification: Pathogenic for Renal tubulopathies. Last evaluated: 2026-02-26. Review status: criteria provided, single submitter. Criteria: ACGS Best Practice Guidelines for Variant Classification in Rare Disease 2024 v1.2. Collection method: clinical testing. Allele origin: germline. Affected: yes.
Comment: PS4_moderate, PM2_moderate, PP3_supporting, PS3_supporting, PM3_strong

Victorian Clinical Genetics Services, Murdoch Childrens Research Institute
Classification: Pathogenic for Familial hypokalemia-hypomagnesemia. Last evaluated: 2026-02-20. Review status: criteria provided, single submitter. Criteria: ACMG Guidelines, 2015. Collection method: clinical testing. Allele origin: germline. Affected: yes.
Comment: This variant is classified as Pathogenic. Evidence in support of pathogenic classification: Variant is present in gnomAD <0.01 for a recessive condition (v4: 253 heterozygote(s), 0 homozygote(s)); This variant has strong previous evidence of pathogenicity in unrelated individuals. This variant has been classified as likely pathogenic or pathogenic by multiple clinical laboratories in ClinVar, and is reported in the literature in multiple compound heterozygous individuals with Gitelman syndrome (PMID: 17329572); Missense variant consistently predicted to be damaging by multiple in silico tools or highly conserved with a major amino acid change; Strong phenotype match for this individual. Additional information: Variant is predicted to result in a missense amino acid change from Ser to Leu; This variant is heterozygous; This gene is associated with autosomal recessive disease; Variant is located in the annotated amino acid permease domain (DECIPHER). - Loss of function is a known mechanism of disease in this gene and is associated with Gitelman syndrome (MIM#263800); Inheritance information for this variant is not currently available in this individual.

Natera, Inc.
Classification: Pathogenic for Gitelman syndrome. Last evaluated: 2025-11-24. Review status: criteria provided, single submitter. Criteria: Natera Variant Classification Schema (03/2026). Collection method: clinical testing. Allele origin: germline.
Comment: The c.1664C>T variant in SLC12A3 is a missense variant predicted to cause substitution of serine to leucine at amino acid 555. This variant is rare in the general population with a frequency below the threshold expected for the associated phenotype(s). This variant has been observed in one or more individuals affected with the associated recessive disease, as either homozygous or compound heterozygous with a second variant (PMID: 21415153, 17059986). Given the available evidence, this variant is classified as Pathogenic.

GeneDx
Classification: Pathogenic. Last evaluated: 2025-08-05. Review status: criteria provided, single submitter. Criteria: GeneDx Variant Classification Process June 2021. Collection method: clinical testing. Allele origin: germline. Affected: yes.
Comment: Published functional studies demonstrate a damaging effect causing defective protein processing, location, and function (PMID: 17329572); In silico analysis supports that this missense variant has a deleterious effect on protein structure/function; This variant is associated with the following publications: (PMID: 17059986, 17159356, 24790334, 21753071, 27529443, 31672324, 33095447, 17329572, 23328711, 22009145, 21415153, 35611242, 36158002, 26484179, 19451210, 11168953, 30596175)

Revvity Omics, Revvity
Classification: Pathogenic for Familial hypokalemia-hypomagnesemia. Last evaluated: 2025-06-27. Review status: criteria provided, single submitter. Criteria: ACMG Guidelines, 2015. Collection method: clinical testing. Allele origin: germline.

Labcorp Genetics (formerly Invitae), Labcorp
Classification: Pathogenic. Last evaluated: 2025-02-20. Review status: criteria provided, single submitter. Criteria: Invitae Variant Classification Sherloc (09022015). Collection method: clinical testing. Allele origin: germline.
Comment: This sequence change replaces serine, which is neutral and polar, with leucine, which is neutral and non-polar, at codon 555 of the SLC12A3 protein (p.Ser555Leu). This variant is present in population databases (rs148038173, gnomAD 0.02%). This missense change has been observed in individuals with Gitelman syndrome (PMID: 11168953, 17329572, 21753071, 23328711). ClinVar contains an entry for this variant (Variation ID: 642947). Invitae Evidence Modeling of protein sequence and biophysical properties (such as structural, functional, and spatial information, amino acid conservation, physicochemical variation, residue mobility, and thermodynamic stability) indicates that this missense variant is expected to disrupt SLC12A3 protein function with a positive predictive value of 95%. Experimental studies have shown that this missense change affects SLC12A3 function (PMID: 17329572). For these reasons, this variant has been classified as Pathogenic.

Women's Health and Genetics/Laboratory Corporation of America, LabCorp
Classification: Pathogenic for Familial hypokalemia-hypomagnesemia. Last evaluated: 2025-02-18. Review status: criteria provided, single submitter. Criteria: LabCorp Variant Classification Summary - May 2015. Collection method: clinical testing. Allele origin: germline.
Comment: Variant summary: SLC12A3 c.1664C>T (p.Ser555Leu) results in a non-conservative amino acid change in the encoded protein sequence. Three of three in-silico tools predict a damaging effect of the variant on protein function. The variant allele was found at a frequency of 6e-05 in 251448 control chromosomes. This frequency is not significantly higher than estimated for a pathogenic variant in SLC12A3 causing Familial Hypokalemia-Hypomagnesemia, allowing no conclusion about variant significance. c.1664C>T has been reported in the literature in individuals affected with Familial Hypokalemia-Hypomagnesemia (example: Riveira-Munoz_2007, Berry_2013). These data indicate that the variant is likely to be associated with disease. Experimental studies have shown that this missense changes the normal function of the protein (Riveira-Munoz_2007). The following publications have been ascertained in the context of this evaluation (PMID: 17329572, 23328711). ClinVar contains an entry for this variant (Variation ID: 642947). Based on the evidence outlined above, the variant was classified as pathogenic.

Fulgent Genetics
Classification: Pathogenic for Familial hypokalemia-hypomagnesemia. Last evaluated: 2024-02-27. Review status: criteria provided, single submitter. Criteria: ACMG Guidelines, 2015. Collection method: clinical testing. Allele origin: germline.

Blueprint Genetics
Classification: Pathogenic for SLC12A3-related disorders. Last evaluated: 2023-11-10. Review status: criteria provided, single submitter. Criteria: ACMG Guidelines, 2015. Collection method: clinical testing. Allele origin: germline. Affected: yes. Observed: 5 variant alleles.

Genetics and Molecular Pathology, SA Pathology
Classification: Pathogenic for Familial hypokalemia-hypomagnesemia. Last evaluated: 2022-12-19. Review status: criteria provided, single submitter. Criteria: ACMG Guidelines, 2015. Collection method: clinical testing. Allele origin: germline. Inheritance: Autosomal recessive inheritance. Affected: yes.
Comment: The SLC12A3 c.1664C>T variant is classified as Pathogenic (PS4_Moderate, PS3_supporting, PM1, PM3_Strong, PP3) The SLC12A3 c.1664C>T variant is a single nucleotide change in exon 13/26 of the SLC12A3 gene, which is predicted to change the amino acid serine at position 555 in the protein to leucine. The variant has been reported in many patients with Gitelman syndrome (PMID:30596175, 23328711, 11168953, 21753071, 17159356, 17059986, 33095447, 17329572). (PS4_Moderate). Functional studies have shown that the variant results in defective intrinsic activity (PMID:17329572) (PS3_supporting). This variant is located in the conserved amino acid permease domain (PM1). This variant has been detected in trans with a pathogenic variant for this recessive condition (PMID:17329572, 17059986) (PM3_strong). Computational predictions support a deleterious effect on the gene or gene product (PP3). The variant has been reported in dbSNP (rs148038173) and as disease causing in the HGMD database (CM014402). It has been reported as Pathogenic by other diagnostic laboratories (ClinVar Variation ID: 642947).

NM_001126108.2(SLC12A3):c.1664C>T (p.Ser555Leu)

Gene: SLC12A3 (solute carrier family 12 member 3; plus strand). Cytogenetic location: 16q13.
Variant type: single nucleotide variant.
Coding change: c.1664C>T on transcript NM_001126108.2 (MANE Select); coding-DNA position 1664, C replaced by T.
Protein change: p.Ser555Leu; replaces serine 555 with leucine.
Molecular consequence: missense variant.
Genome position (GRCh38, 1-based): chr16:56,882,492, C>T. VCF-style: chr16-56882492-C-T. GRCh37 (hg19) VCF-style: chr16-56916404-C-T.
Other names: c.1664C>T, p.Ser555Leu (NM_000339.3); c.1661C>T, p.Ser554Leu (NM_001126107.2); c.1664C>T (NM_001126108.1); short protein forms S555L, S554L.
Identifiers: ClinVar variation 642947 (VCV000642947.39), dbSNP rs148038173, ClinGen allele CA8069554.